The following is an entry in ClinVar:

NM_000548.5(TSC2):c.5416T>A (p.Phe1806Ile)

Gene: TSC2 (TSC complex subunit 2; plus strand). Cytogenetic location: 16p13.3.
Variant type: single nucleotide variant.
Coding change: c.5416T>A on transcript NM_000548.5 (MANE Select); coding-DNA position 5416, T replaced by A.
Protein change: p.Phe1806Ile; replaces phenylalanine 1806 with isoleucine.
Molecular consequence: missense variant. On other transcripts: non-coding transcript variant (5).
Genome position (GRCh38, 1-based): chr16:2,088,602, T>A. VCF-style: chr16-2088602-T-A. GRCh37 (hg19) VCF-style: chr16-2138603-T-A.
Other names: c.5215T>A, p.Phe1739Ile (NM_001077183.3); c.5347T>A, p.Phe1783Ile (NM_001114382.3); c.5107T>A, p.Phe1703Ile (NM_001318827.2); c.5071T>A, p.Phe1691Ile (NM_001318829.2); c.4684T>A, p.Phe1562Ile (NM_001318831.2); c.5248T>A, p.Phe1750Ile (NM_001318832.2); c.5218T>A, p.Phe1740Ile (NM_001363528.2); c.5284T>A, p.Phe1762Ile (NM_001370404.1); and 27 more; short protein forms F1205I, F1291I, F1292I, F1314I, F1315I, F1335I, F1539I, F1540I.
Identifiers: ClinVar variation 4802894 (VCV004802894.2).

ClinVar aggregate classification (germline): Uncertain significance. Review status: criteria provided, multiple submitters, no conflicts (2 of 4 stars). 2 submissions from 2 submitters: Uncertain significance (2). Last evaluated 2026-10-01.

Conditions:
Tuberous sclerosis 2 (TSC2). Identifiers: Orphanet 805, MedGen C1860707, MONDO:0013199, OMIM 613254.

Submissions (2):

St. Jude Molecular Pathology, St. Jude Children's Research Hospital
Classification: Uncertain significance for Tuberous sclerosis 2. Last evaluated: 2026-10-01. Review status: criteria provided, single submitter. Criteria: St. Jude Assertion Criteria 2020. Collection method: clinical testing. Allele origin: germline.
Comment: The TSC2 c.5416T>A p.(Phe1806Ile) missense change is absent in gnomAD v2.1.1. The in silico tool REVEL predicts a deleterious effect on protein function, but to our knowledge this prediction has not been confirmed by functional studies. To our knowledge, this variant has not been reported in individuals with tuberous sclerosis complex. In summary, the evidence currently available is insufficient to determine the clinical sig nificance of this variant. It has therefore been classified as of uncertain significance (VUS-Mid).

Labcorp Genetics (formerly Invitae), Labcorp
Classification: Uncertain significance for Tuberous sclerosis 2. Last evaluated: 2025-09-10. Review status: criteria provided, single submitter. Criteria: Invitae Variant Classification Sherloc (09022015). Collection method: clinical testing. Allele origin: germline.
Comment: This sequence change replaces phenylalanine, which is neutral and non-polar, with isoleucine, which is neutral and non-polar, at codon 1806 of the TSC2 protein (p.Phe1806Ile). This variant is not present in population databases (gnomAD no frequency). This variant has not been reported in the literature in individuals affected with TSC2-related conditions. Invitae Evidence Modeling of protein sequence and biophysical properties (such as structural, functional, and spatial information, amino acid conservation, physicochemical variation, residue mobility, and thermodynamic stability) indicates that this missense variant is not expected to disrupt TSC2 protein function with a negative predictive value of 95%. In summary, the available evidence is currently insufficient to determine the role of this variant in disease. Therefore, it has been classified as a Variant of Uncertain Significance.